The following is an entry in ClinVar:

NM_000489.6(ATRX):c.3527A>T (p.Lys1176Met)

Gene: ATRX (ATRX chromatin remodeler; minus strand). Cytogenetic location: Xq21.1.
Variant type: single nucleotide variant.
Coding change: c.3527A>T on transcript NM_000489.6 (MANE Select); coding-DNA position 3527, A replaced by T.
Protein change: p.Lys1176Met; replaces lysine 1176 with methionine.
Molecular consequence: missense variant.
Genome position (GRCh38, 1-based): chrX:77,681,729, T>A on the plus strand (A>T on the coding strand, the complement: ATRX is on the minus strand). VCF-style: chrX-77681729-T-A. GRCh37 (hg19) VCF-style: chrX-76937221-T-A.
Other names: c.3413A>T, p.Lys1138Met (NM_138270.5); short protein forms K1176M, K1138M.
Identifiers: ClinVar variation 446887 (VCV000446887.21), dbSNP rs191563592, ClinGen allele CA10457944.
Genomic context (GRCh38, chrX:77,681,729, plus strand): 5'-TTCCTTTTAGTGCTTGTTCTTAGGGAGTTTCTCTTTTTCTCCTTGACAATGACTGCCTTC[T>A]TTTTAGATGAAGTTCTTTGCTTCTTCTTTTTATTATCTTCAGAACTTTCCTCAGCATCAG-3'
Protein context (NP_000480.3, residues 1166-1186): KKKKQRTSSK[Lys1176Met]KAVIVKEKKR

ClinVar aggregate classification (germline): Conflicting classifications of pathogenicity. Review status: criteria provided, conflicting classifications (1 of 4 stars). 6 submissions from 6 submitters: Uncertain significance (3); Benign (1); Likely benign (1). 1 of the submissions does not count toward it. Last evaluated 2026-01-13.

Conditions:
ATRX-related disorder. Also called: ATRX-related condition.
Alpha thalassemia-X-linked intellectual disability syndrome (ATRX). Also called: ALPHA-THALASSEMIA/MENTAL RETARDATION SYNDROME, X-LINKED; X-linked alpha-thalassemia-mental retardation syndrome; ATR-X syndrome; Alpha thalassemia mental retardation syndrome, nondeletion type, X-linked; XLMR hypotonic face syndrome; ATR, NONDELETION TYPE. Identifiers: Orphanet 847, MedGen C1845055, MONDO:0010519, OMIM 301040.
Developmental disorder. Identifiers: MedGen C0008073.
Inborn genetic diseases. Identifiers: MedGen C0950123, MeSH D030342.

Allele frequency attached by ClinVar (database versions not stated): gnomAD exomes 0.00011 and 0.00010; ESP Exome Variant Server 0.00009; gnomAD 0.00007 and 0.00009; 1000 Genomes Project 0.00026; ExAC 0.00013; TOPMed 0.00017; 1000 Genomes Project 30x 0.00021.
gnomAD v4.1: 132 of 1,204,382 alleles (0.011%); highest among the groups gnomAD compares: Admixed American, 0.065%; 1 homozygote.

Submissions (6):

Labcorp Genetics (formerly Invitae), Labcorp
Classification: Benign for Alpha thalassemia-X-linked intellectual disability syndrome. Last evaluated: 2026-01-13. Review status: criteria provided, single submitter. Criteria: Invitae Variant Classification Sherloc (09022015). Collection method: clinical testing. Allele origin: germline.

Genetic Services Laboratory, University of Chicago
Classification: Uncertain significance. Last evaluated: 2018-11-14. Review status: criteria provided, single submitter. Criteria: ACMG Guidelines, 2015. Collection method: clinical testing. Allele origin: germline. Affected: no.

Ambry Genetics
Classification: Likely benign for Inborn genetic diseases. Last evaluated: 2017-09-29. Review status: criteria provided, single submitter. Criteria: Ambry Variant Classification Scheme 2023. Collection method: clinical testing. Allele origin: germline.

Department of Genetics, Rouen University Hospital, Normandy Center for Genomic and Personalized Medicine
Classification: Uncertain significance for Developmental disorder. Last evaluated: 2017-03-01. Review status: criteria provided, single submitter. Criteria: ACMG Guidelines, 2015. Collection method: clinical testing. Allele origin: maternal. Affected: yes.

Athena Diagnostics
Classification: Uncertain significance. Last evaluated: 2016-11-29. Review status: criteria provided, single submitter. Criteria: Athena Diagnostics Criteria. Collection method: clinical testing. Allele origin: germline.

PreventionGenetics, part of Exact Sciences
Classification: Likely benign for ATRX-related condition. Last evaluated: 2022-12-21. Review status: no assertion criteria provided. Collection method: clinical testing. Allele origin: germline. Not counted in ClinVar's aggregate classification.
Comment: This variant is classified as likely benign based on ACMG/AMP sequence variant interpretation guidelines (Richards et al. 2015 PMID: 25741868, with internal and published modifications).